The following is an entry in ClinVar:

NM_000051.4(ATM):c.5675-20dup

Gene: ATM (ATM serine/threonine kinase; plus strand). Cytogenetic location: 11q22.3.
Variant type: Duplication.
Coding change: c.5675-20dup on transcript NM_000051.4 (MANE Select); 20 bases into the intron before coding-DNA position 5675, one base duplicated (G; older notation c.5675-20dupG).
Molecular consequence: intron variant.
Genome position (GRCh38, 1-based): chr11:108,307,877, G duplicated; the last of 4 consecutive G bases (chr11:108,307,874-108,307,877); duplicating any one gives the same sequence. VCF-style (leftmost placement, unchanged base first): chr11-108307873-A-AG. GRCh37 (hg19) VCF-style: chr11-108178600-A-AG.
Other names: c.5675-20dup (NM_001351834.2).
Identifiers: ClinVar variation 3254122 (VCV003254122.1), dbSNP rs2547004485.

ClinVar aggregate classification (germline): Benign (1 of 4 stars; one submission).

Conditions:
Familial cancer of breast. Also called: BREAST CANCER, FAMILIAL; Hereditary breast cancer; hereditary breast carcinoma. Identifiers: Orphanet 227535, MedGen C0346153, MONDO:0016419, OMIM 114480. Disease mechanism: loss of function.

Submission:

Myriad Genetics, Inc.
Classification: Benign for Familial cancer of breast. Last evaluated: 2024-05-24. Review status: criteria provided, single submitter. Criteria: Myriad Autosomal Dominant, Autosomal Recessive and X-Linked Classification Criteria (2023). Collection method: clinical testing. Allele origin: unknown.
Comment: This variant is considered benign. This variant is intronic and is not expected to impact mRNA splicing.